The following is an entry in ClinVar:

ClinVar aggregate classification (germline): Uncertain significance (1 of 4 stars; one submission).

Submission:

Labcorp Genetics (formerly Invitae), Labcorp
Classification: Uncertain significance. Last evaluated: 2025-03-03. Review status: criteria provided, single submitter. Criteria: Invitae Variant Classification Sherloc (09022015). Collection method: clinical testing. Allele origin: germline.
Comment: This sequence change replaces threonine, which is neutral and polar, with serine, which is neutral and polar, at codon 54 of the RPSA protein (p.Thr54Ser). This variant is not present in population databases (gnomAD no frequency). This variant has not been reported in the literature in individuals affected with RPSA-related conditions. ClinVar contains an entry for this variant (Variation ID: 1002399). Invitae Evidence Modeling of protein sequence and biophysical properties (such as structural, functional, and spatial information, amino acid conservation, physicochemical variation, residue mobility, and thermodynamic stability) indicates that this missense variant is not expected to disrupt RPSA protein function with a negative predictive value of 80%. This variant disrupts the p.Thr54 amino acid residue in RPSA. Other variant(s) that disrupt this residue have been determined to be pathogenic (PMID: 23579497). This suggests that this residue is clinically significant, and that variants that disrupt this residue are likely to be disease-causing. In summary, the available evidence is currently insufficient to determine the role of this variant in disease. Therefore, it has been classified as a Variant of Uncertain Significance.

Literature cited by the submitters: PubMed 23579497.

NM_002295.6(RPSA):c.161C>G (p.Thr54Ser)

Gene: RPSA (ribosomal protein SA; plus strand). Cytogenetic location: 3p22.1.
Variant type: single nucleotide variant.
Coding change: c.161C>G on transcript NM_002295.6 (MANE Select); coding-DNA position 161, C replaced by G.
Protein change: p.Thr54Ser; replaces threonine 54 with serine.
Molecular consequence: missense variant.
Genome position (GRCh38, 1-based): chr3:39,408,633, C>G. VCF-style: chr3-39408633-C-G. GRCh37 (hg19) VCF-style: chr3-39450124-C-G.
Other names: c.161C>G, p.Thr54Ser (NM_001304288.2); short protein forms T54S.
Identifiers: ClinVar variation 1002399 (VCV001002399.5), dbSNP rs397514762, ClinGen allele CA352211427.